The following is an entry in ClinVar:

NM_015346.4(ZFYVE26):c.2867C>T (p.Pro956Leu)

Gene: ZFYVE26 (zinc finger FYVE-type containing 26; minus strand). Cytogenetic location: 14q24.1.
Variant type: single nucleotide variant.
Coding change: c.2867C>T on transcript NM_015346.4 (MANE Select); coding-DNA position 2867, C replaced by T.
Protein change: p.Pro956Leu; replaces proline 956 with leucine.
Molecular consequence: missense variant.
Genome position (GRCh38, 1-based): chr14:67,789,487, G>A on the plus strand (C>T on the coding strand, the complement: ZFYVE26 is on the minus strand). VCF-style: chr14-67789487-G-A. GRCh37 (hg19) VCF-style: chr14-68256204-G-A.
Other names: short protein forms P956L.
Identifiers: ClinVar variation 1497270 (VCV001497270.5), dbSNP rs764476863, ClinGen allele CA7240152.

ClinVar aggregate classification (germline): Uncertain significance (1 of 4 stars; one submission).

Conditions:
Spastic paraplegia. Identifiers: MedGen C0037772, HP:0001258.

Allele frequency attached by ClinVar (database versions not stated): gnomAD exomes 0.00001; TOPMed 0.00001; ExAC 0.00001.
gnomAD v4.1: 10 of 1,614,172 alleles (0.00062%); highest among the groups gnomAD compares: Middle Eastern, 0.016%; no homozygotes.

Submission:

Labcorp Genetics (formerly Invitae), Labcorp
Classification: Uncertain significance for Spastic paraplegia. Last evaluated: 2022-07-06. Review status: criteria provided, single submitter. Criteria: Invitae Variant Classification Sherloc (09022015). Collection method: clinical testing. Allele origin: germline.
Comment: This sequence change replaces proline, which is neutral and non-polar, with leucine, which is neutral and non-polar, at codon 956 of the ZFYVE26 protein (p.Pro956Leu). This variant is present in population databases (rs764476863, gnomAD 0.0009%). This variant has not been reported in the literature in individuals affected with ZFYVE26-related conditions. ClinVar contains an entry for this variant (Variation ID: 1497270). Algorithms developed to predict the effect of missense changes on protein structure and function output the following: SIFT: "Tolerated"; PolyPhen-2: "Benign"; Align-GVGD: "Class C0". The leucine amino acid residue is found in multiple mammalian species, which suggests that this missense change does not adversely affect protein function. In summary, the available evidence is currently insufficient to determine the role of this variant in disease. Therefore, it has been classified as a Variant of Uncertain Significance.